The following is an entry in ClinVar:

ClinVar aggregate classification (germline): Uncertain significance (1 of 4 stars; one submission).

Allele frequency attached by ClinVar (database versions not stated): ExAC 0.00002; TOPMed 0.00003.

Submission:

Labcorp Genetics (formerly Invitae), Labcorp
Classification: Uncertain significance. Last evaluated: 2024-04-09. Review status: criteria provided, single submitter. Criteria: Invitae Variant Classification Sherloc (09022015). Collection method: clinical testing. Allele origin: germline.
Comment: This sequence change replaces valine, which is neutral and non-polar, with methionine, which is neutral and non-polar, at codon 147 of the UNC119 protein (p.Val147Met). This variant is present in population databases (rs759458653, gnomAD 0.007%). This variant has not been reported in the literature in individuals affected with UNC119-related conditions. ClinVar contains an entry for this variant (Variation ID: 1906364). An algorithm developed to predict the effect of missense changes on protein structure and function (PolyPhen-2) suggests that this variant is likely to be disruptive. In summary, the available evidence is currently insufficient to determine the role of this variant in disease. Therefore, it has been classified as a Variant of Uncertain Significance.

NM_005148.4(UNC119):c.439G>A (p.Val147Met)

Gene: UNC119 (unc-119 lipid binding chaperone; minus strand). Cytogenetic location: 17q11.2.
Variant type: single nucleotide variant.
Coding change: c.439G>A on transcript NM_005148.4 (MANE Select); coding-DNA position 439, G replaced by A.
Protein change: p.Val147Met; replaces valine 147 with methionine.
Molecular consequence: missense variant.
Genome position (GRCh38, 1-based): chr17:28,547,848, C>T on the plus strand (G>A on the coding strand, the complement: UNC119 is on the minus strand). VCF-style: chr17-28547848-C-T. GRCh37 (hg19) VCF-style: chr17-26874866-C-T.
Other names: c.154G>A, p.Val52Met (NM_001330166.2); c.439G>A, p.Val147Met (NM_054035.2); short protein forms V147M, V52M.
Identifiers: ClinVar variation 1906364 (VCV001906364.5), dbSNP rs759458653, ClinGen allele CA8459777.